The following is an entry in ClinVar:

NM_001903.5(CTNNA1):c.1828G>C (p.Glu610Gln)

Gene: CTNNA1 (catenin alpha 1; plus strand). Cytogenetic location: 5q31.2.
Variant type: single nucleotide variant.
Coding change: c.1828G>C on transcript NM_001903.5 (MANE Select); coding-DNA position 1828, G replaced by C.
Protein change: p.Glu610Gln; replaces glutamic acid 610 with glutamine.
Molecular consequence: missense variant.
Genome position (GRCh38, 1-based): chr5:138,925,336, G>C. VCF-style: chr5-138925336-G-C. GRCh37 (hg19) VCF-style: chr5-138261025-G-C.
Other names: c.1828G>C, p.Glu610Gln (NM_001290307.3, NM_001323982.2, NM_001323983.1 and 2 more transcripts); c.1519G>C, p.Glu507Gln (NM_001290309.3); c.1459G>C, p.Glu487Gln (NM_001290310.3); c.718G>C, p.Glu240Gln (NM_001290312.1, NM_001323987.1, NM_001323988.1 and 17 more transcripts); c.1735G>C, p.Glu579Gln (NM_001323986.2); c.379G>C, p.Glu127Gln (NM_001324006.1, NM_001324007.1, NM_001324008.1 and 2 more transcripts); c.625G>C, p.Glu209Gln (NM_001324011.1); c.475G>C, p.Glu159Gln (NM_001324012.1, NM_001324013.1); short protein forms E127Q, E159Q, E209Q, E240Q, E487Q, E507Q, E579Q, E610Q.
Identifiers: ClinVar variation 1062482 (VCV001062482.9), dbSNP rs1384107535, ClinGen allele CA361132294.

ClinVar aggregate classification (germline): Uncertain significance (1 of 4 stars; one submission).

Submission:

Labcorp Genetics (formerly Invitae), Labcorp
Classification: Uncertain significance. Last evaluated: 2020-05-24. Review status: criteria provided, single submitter. Criteria: Invitae Variant Classification Sherloc (09022015). Collection method: clinical testing. Allele origin: germline.
Comment: In summary, the available evidence is currently insufficient to determine the role of this variant in disease. Therefore, it has been classified as a Variant of Uncertain Significance. Algorithms developed to predict the effect of missense changes on protein structure and function (SIFT, PolyPhen-2, Align-GVGD) all suggest that this variant is likely to be tolerated, but these predictions have not been confirmed by published functional studies and their clinical significance is uncertain. This variant has not been reported in the literature in individuals with CTNNA1-related conditions. This variant is not present in population databases (ExAC no frequency). This sequence change replaces glutamic acid with glutamine at codon 610 of the CTNNA1 protein (p.Glu610Gln). The glutamic acid residue is highly conserved and there is a small physicochemical difference between glutamic acid and glutamine.